The following is an entry in ClinVar:

NM_144573.4(NEXN):c.1720G>A (p.Glu574Lys)

Gene: NEXN (nexilin F-actin binding protein; plus strand). Cytogenetic location: 1p31.1.
Variant type: single nucleotide variant.
Coding change: c.1720G>A on transcript NM_144573.4 (MANE Select); coding-DNA position 1720, G replaced by A.
Protein change: p.Glu574Lys; replaces glutamic acid 574 with lysine.
Molecular consequence: missense variant.
Genome position (GRCh38, 1-based): chr1:77,942,521, G>A. VCF-style: chr1-77942521-G-A. GRCh37 (hg19) VCF-style: chr1-78408206-G-A.
Other names: c.1528G>A, p.Glu510Lys (NM_001172309.2); short protein forms E510K, E574K.
Identifiers: ClinVar variation 1329334 (VCV001329334.4), dbSNP rs756408591, ClinGen allele CA918973.

ClinVar aggregate classification (germline): Uncertain significance. Review status: criteria provided, multiple submitters, no conflicts (2 of 4 stars). 2 submissions from 2 submitters: Uncertain significance (2). Last evaluated 2022-12-25.

Conditions:
Cardiomyopathy (CMYO). Also called: Cardiomyopathies. Identifiers: Orphanet 167848, MedGen C0878544, MONDO:0004994, HP:0001638. Inheritance: Various modes of inheritance.
Cardiovascular phenotype. Identifiers: MedGen CN230736.

Allele frequency attached by ClinVar (database versions not stated): gnomAD exomes below 0.00001 and 0.00001; ExAC 0.00001.

Submissions (2):

Ambry Genetics
Classification: Uncertain significance for Cardiovascular phenotype. Last evaluated: 2022-12-25. Review status: criteria provided, single submitter. Criteria: Ambry Variant Classification Scheme 2023. Collection method: clinical testing. Allele origin: germline.
Comment: The p.E574K variant (also known as c.1720G>A), located in coding exon 12 of the NEXN gene, results from a G to A substitution at nucleotide position 1720. The glutamic acid at codon 574 is replaced by lysine, an amino acid with similar properties. This amino acid position is conserved. In addition, this alteration is predicted to be tolerated by in silico analysis. Since supporting evidence is limited at this time, the clinical significance of this alteration remains unclear.

CHEO Genetics Diagnostic Laboratory, Children's Hospital of Eastern Ontario
Classification: Uncertain significance for Cardiomyopathy. Last evaluated: 2020-06-30. Review status: criteria provided, single submitter. Criteria: ACMG Guidelines, 2015. Collection method: clinical testing. Allele origin: germline.